The following is an entry in ClinVar:

ClinVar aggregate classification (germline): Pathogenic (1 of 4 stars; one submission).

Submission:

Labcorp Genetics (formerly Invitae), Labcorp
Classification: Pathogenic. Last evaluated: 2024-04-10. Review status: criteria provided, single submitter. Criteria: Invitae Variant Classification Sherloc (09022015). Collection method: clinical testing. Allele origin: germline.
Comment: This sequence change creates a premature translational stop signal (p.Trp55*) in the CDC45 gene. It is expected to result in an absent or disrupted protein product. Loss-of-function variants in CDC45 are known to be pathogenic (PMID: 27374770, 30986546). This variant is not present in population databases (gnomAD no frequency). This variant has not been reported in the literature in individuals affected with CDC45-related conditions. For these reasons, this variant has been classified as Pathogenic.

Literature cited by the submitters: PubMed 27374770; PubMed 30986546.

NM_003504.5(CDC45):c.165G>A (p.Trp55Ter)

Gene: CDC45 (cell division cycle 45; plus strand). Cytogenetic location: 22q11.21.
Variant type: single nucleotide variant.
Coding change: c.165G>A on transcript NM_003504.5 (MANE Select); coding-DNA position 165, G replaced by A.
Protein change: p.Trp55Ter; replaces tryptophan 55 with a stop codon.
Molecular consequence: nonsense. On other transcripts: non-coding transcript variant (1).
Genome position (GRCh38, 1-based): chr22:19,481,006, G>A. VCF-style: chr22-19481006-G-A. GRCh37 (hg19) VCF-style: chr22-19468529-G-A.
Other names: c.165G>A, p.Trp55Ter (NM_001178010.2, NM_001178011.2); c.129G>A, p.Trp43Ter (NM_001369291.1); short protein forms W43*, W55*.
Identifiers: ClinVar variation 3010292 (VCV003010292.3), dbSNP rs2517554170, ClinGen allele CA410679486.